The following is an entry in ClinVar:

NM_001134407.3(GRIN2A):c.204C>G (p.Asn68Lys)

Gene: GRIN2A (glutamate ionotropic receptor NMDA type subunit 2A; minus strand). Cytogenetic location: 16p13.2.
Variant type: single nucleotide variant.
Coding change: c.204C>G on transcript NM_001134407.3 (MANE Select); coding-DNA position 204, C replaced by G.
Protein change: p.Asn68Lys; replaces asparagine 68 with lysine.
Molecular consequence: missense variant.
Genome position (GRCh38, 1-based): chr16:10,180,208, G>C on the plus strand (C>G on the coding strand, the complement: GRIN2A is on the minus strand). VCF-style: chr16-10180208-G-C. GRCh37 (hg19) VCF-style: chr16-10274065-G-C.
Other names: c.204C>G, p.Asn68Lys (NM_000833.5, NM_001134408.2); short protein forms N68K.
Identifiers: ClinVar variation 3903046 (VCV003903046.1).

ClinVar aggregate classification (germline): Uncertain significance (1 of 4 stars; one submission).

gnomAD v4.1: 1 of 1,614,170 alleles (0.000062%); highest among the groups gnomAD compares: Non-Finnish European, 0.000085%; no homozygotes.

Submission:

GeneDx
Classification: Uncertain significance. Last evaluated: 2024-12-15. Review status: criteria provided, single submitter. Criteria: GeneDx Variant Classification Process June 2021. Collection method: clinical testing. Allele origin: germline. Affected: yes.
Comment: Not observed at significant frequency in large population cohorts (gnomAD); In silico analysis indicates that this missense variant does not alter protein structure/function; Has not been previously published as pathogenic or benign to our knowledge